The following is an entry in ClinVar:

NM_006904.7(PRKDC):c.8317A>G (p.Arg2773Gly)

Gene: PRKDC (protein kinase, DNA-activated, catalytic subunit; minus strand). Cytogenetic location: 8q11.21.
Variant type: single nucleotide variant.
Coding change: c.8317A>G on transcript NM_006904.7 (MANE Select); coding-DNA position 8317, A replaced by G.
Protein change: p.Arg2773Gly; replaces arginine 2773 with glycine.
Molecular consequence: missense variant.
Genome position (GRCh38, 1-based): chr8:47,830,685, T>C on the plus strand (A>G on the coding strand, the complement: PRKDC is on the minus strand). VCF-style: chr8-47830685-T-C. GRCh37 (hg19) VCF-style: chr8-48743246-T-C.
Other names: c.8317A>G, p.Arg2773Gly (NM_001081640.2); short protein forms R2773G.
Identifiers: ClinVar variation 1020797 (VCV001020797.5), dbSNP rs182343050, ClinGen allele CA4739854.

ClinVar aggregate classification (germline): Uncertain significance (1 of 4 stars; one submission).

Conditions:
Severe combined immunodeficiency due to DNA-PKcs deficiency. Also called: IMMUNODEFICIENCY 26 WITH NEUROLOGIC ABNORMALITIES; Immunodeficiency 26 with or without neurologic abnormalities. Identifiers: Orphanet 317425, MedGen C4014833, MONDO:0014423, OMIM 615966.

Allele frequency attached by ClinVar (database versions not stated): gnomAD exomes below 0.00001 and 0.00001; ExAC 0.00001; gnomAD 0.00001; 1000 Genomes Project 0.00020; 1000 Genomes Project 30x 0.00031.
gnomAD v4.1: 3 of 1,614,032 alleles (0.00019%); highest among the groups gnomAD compares: East Asian, 0.0045%; no homozygotes.

Submission:

Labcorp Genetics (formerly Invitae), Labcorp
Classification: Uncertain significance for Severe combined immunodeficiency due to DNA-PKcs deficiency. Last evaluated: 2020-10-19. Review status: criteria provided, single submitter. Criteria: Invitae Variant Classification Sherloc (09022015). Collection method: clinical testing. Allele origin: germline.
Comment: In summary, the available evidence is currently insufficient to determine the role of this variant in disease. Therefore, it has been classified as a Variant of Uncertain Significance. Experimental studies and prediction algorithms are not available or were not evaluated, and the functional significance of this variant is currently unknown. This variant has not been reported in the literature in individuals with PRKDC-related conditions. This variant is present in population databases (rs182343050, ExAC 0.01%). This sequence change replaces arginine with glycine at codon 2773 of the PRKDC protein (p.Arg2773Gly). The arginine residue is highly conserved and there is a moderate physicochemical difference between arginine and glycine.